The following is an entry in ClinVar:

NM_003403.5(YY1):c.980G>A (p.Cys327Tyr)

Gene: YY1 (YY1 transcription factor; plus strand). Cytogenetic location: 14q32.2.
Variant type: single nucleotide variant.
Coding change: c.980G>A on transcript NM_003403.5 (MANE Select); coding-DNA position 980, G replaced by A.
Protein change: p.Cys327Tyr; replaces cysteine 327 with tyrosine.
Molecular consequence: missense variant.
Genome position (GRCh38, 1-based): chr14:100,276,566, G>A. VCF-style: chr14-100276566-G-A. GRCh37 (hg19) VCF-style: chr14-100742903-G-A.
Other names: short protein forms C327Y.
Identifiers: ClinVar variation 3254940 (VCV003254940.1), dbSNP rs1189366704.

ClinVar aggregate classification (germline): Pathogenic (1 of 4 stars; one submission).

Conditions:
Gabriele de Vries syndrome. Identifiers: Orphanet 506358, MedGen C4479652, MONDO:0044738, OMIM 617557.

Submission:

Victorian Clinical Genetics Services, Murdoch Childrens Research Institute
Classification: Pathogenic for Gabriele de Vries syndrome. Last evaluated: 2023-07-17. Review status: criteria provided, single submitter. Criteria: ACMG Guidelines, 2015. Collection method: clinical testing. Allele origin: germline. Inheritance: Autosomal dominant inheritance. Affected: yes.
Comment: Based on the classification scheme VCGS_Germline_v1.3.4, this variant is classified as Pathogenic. Following criteria are met: 0102 - Loss of function is a known mechanism of disease in this gene and is associated with Gabriele-de Vries syndrome, (MIM#617557). However, dominant negative is still a possible mechanism. (I) 0107 - This gene is associated with autosomal dominant disease. (I) 0200 - Variant is predicted to result in a missense amino acid change from cysteine to tyrosine. (I) 0251 - This variant is heterozygous. (I) 0301 - Variant is absent from gnomAD (both v2 and v3). (SP) 0309 - An alternative amino acid change at the same position has been observed in gnomAD (v2) (1 heterozygote, 0 homozygotes). (I) 0501 - Missense variant consistently predicted to be damaging by multiple in silico tools or highly conserved with a major amino acid change. (SP) 0601 - Variant is located in the well-established cysteine residue within a zinc finger motif. Functional studies have proven that mutagenesis of this residue to serine or alanine results in impaired DNA binding and transcriptional ability (DECIPHER, PMID: 15190078, PMID: 31127623). (SP) 0705 - No comparable missense variants have previous evidence for pathogenicity. (I) 0807 - This variant has no previous evidence of pathogenicity. (I) 0905 - No published segregation evidence has been identified for this variant. (I) 1007 - No published functional evidence has been identified for this variant. (SP) Legend: (SP) - Supporting pathogenic, (I) - Information, (SB) - Supporting benign

Literature cited by the submitters: PubMed 15190078; PubMed 31127623.